The following is an entry in ClinVar:

ClinVar aggregate classification (germline): Uncertain significance (1 of 4 stars; one submission).

Submission:

Labcorp Genetics (formerly Invitae), Labcorp
Classification: Uncertain significance. Last evaluated: 2019-10-24. Review status: criteria provided, single submitter. Criteria: Invitae Variant Classification Sherloc (09022015). Collection method: clinical testing. Allele origin: germline.
Comment: This sequence change replaces phenylalanine with cysteine at codon 11 of the RGR protein (p.Phe11Cys). The phenylalanine residue is highly conserved and there is a large physicochemical difference between phenylalanine and cysteine. In summary, the available evidence is currently insufficient to determine the role of this variant in disease. Therefore, it has been classified as a Variant of Uncertain Significance. Algorithms developed to predict the effect of missense changes on protein structure and function are either unavailable or do not agree on the potential impact of this missense change (SIFT: "Deleterious"; PolyPhen-2: "Not Available"; Align-GVGD: "Class C0"). This variant has not been reported in the literature in individuals with RGR-related conditions. This variant is not present in population databases (ExAC no frequency).

NM_001012720.2(RGR):c.32T>G (p.Phe11Cys)

Gene: RGR (retinal G protein coupled receptor; plus strand). Cytogenetic location: 10q23.1.
Variant type: single nucleotide variant.
Coding change: c.32T>G on transcript NM_001012720.2 (MANE Select); coding-DNA position 32, T replaced by G.
Protein change: p.Phe11Cys; replaces phenylalanine 11 with cysteine.
Molecular consequence: missense variant.
Genome position (GRCh38, 1-based): chr10:84,245,122, T>G. VCF-style: chr10-84245122-T-G. GRCh37 (hg19) VCF-style: chr10-86004878-T-G.
Other names: c.32T>G, p.Phe11Cys (NM_001012722.2, NM_002921.4); short protein forms F11C.
Identifiers: ClinVar variation 972577 (VCV000972577.9), dbSNP rs1842731338, ClinGen allele CA377390470.